The following is an entry in ClinVar:

NM_002016.2(FLG):c.1144G>A (p.Glu382Lys)

Genes: CCDST (cervical cancer associated DHX9 suppressive transcript; plus strand), FLG (filaggrin; minus strand). Cytogenetic location: 1q21.3.
Variant type: single nucleotide variant.
Coding change: c.1144G>A on transcript NM_002016.2 (MANE Select); coding-DNA position 1144, G replaced by A.
Protein change: p.Glu382Lys; replaces glutamic acid 382 with lysine.
Molecular consequence: missense variant. On other transcripts: non-coding transcript variant (1).
Genome position (GRCh38, 1-based): chr1:152,313,742, C>T on the plus strand (G>A on the coding strand, the complement: FLG is on the minus strand). VCF-style: chr1-152313742-C-T. GRCh37 (hg19) VCF-style: chr1-152286218-C-T.
Other names: short protein forms E382K.
Identifiers: ClinVar variation 4822734 (VCV004822734.4).

ClinVar aggregate classification (germline): Uncertain significance (1 of 4 stars; one submission).

gnomAD v4.1: 4 of 1,614,156 alleles (0.00025%); highest among the groups gnomAD compares: Non-Finnish European, 0.00034%; no homozygotes.

Submission:

CeGaT Center for Human Genetics Tuebingen
Classification: Uncertain significance. Last evaluated: 2026-01-01. Review status: criteria provided, single submitter. Criteria: CeGaT Center For Human Genetics Tuebingen Variant Classification Criteria Version 2. Collection method: clinical testing. Allele origin: germline. Affected: yes. Observed: 1 variant allele.
Comment: FLG: PM2, BP4